The following is an entry in ClinVar:

NM_006421.5(ARFGEF1):c.5536A>C (p.Ile1846Leu)

Gene: ARFGEF1 (ARF guanine nucleotide exchange factor 1; minus strand). Cytogenetic location: 8q13.2.
Variant type: single nucleotide variant.
Coding change: c.5536A>C on transcript NM_006421.5 (MANE Select); coding-DNA position 5536, A replaced by C.
Protein change: p.Ile1846Leu; replaces isoleucine 1846 with leucine.
Molecular consequence: missense variant. On other transcripts: non-coding transcript variant (1), intron variant (2).
Genome position (GRCh38, 1-based): chr8:67,198,948, T>G on the plus strand (A>C on the coding strand, the complement: ARFGEF1 is on the minus strand). VCF-style: chr8-67198948-T-G. GRCh37 (hg19) VCF-style: chr8-68111183-T-G.
Other names: c.5536A>C, p.Ile1846Leu (NM_001413184.1); c.5518A>C, p.Ile1840Leu (NM_001413185.1, NM_001413189.1); c.4936A>C, p.Ile1646Leu (NM_001413188.1, NM_001413197.1); c.5530A>C, p.Ile1844Leu (NM_001413190.1); c.5440A>C, p.Ile1814Leu (NM_001413191.1); c.5422A>C, p.Ile1808Leu (NM_001413192.1); c.4111A>C, p.Ile1371Leu (NM_001413196.1); c.5367+1448A>C (NM_001413186.1); and 1 more; short protein forms I1371L, I1646L, I1808L, I1814L, I1840L, I1844L, I1846L.
Identifiers: ClinVar variation 3900417 (VCV003900417.1).

ClinVar aggregate classification (germline): Uncertain significance (1 of 4 stars; one submission).

gnomAD v4.1: 1 of 1,613,496 alleles (0.000062%); highest among the groups gnomAD compares: Admixed American, 0.0017%; no homozygotes.

Submission:

GeneDx
Classification: Uncertain significance. Last evaluated: 2024-11-21. Review status: criteria provided, single submitter. Criteria: GeneDx Variant Classification Process June 2021. Collection method: clinical testing. Allele origin: germline. Affected: yes.
Comment: Not observed at significant frequency in large population cohorts (gnomAD); In silico analysis indicates that this missense variant does not alter protein structure/function; Has not been previously published as pathogenic or benign to our knowledge